The following is an entry in ClinVar:

ClinVar aggregate classification (germline): Pathogenic (1 of 4 stars; one submission).

Conditions:
Transcobalamin II deficiency (TCN2D). Also called: TC II DEFICIENCY; TCN2 DEFICIENCY; Transcolabamin II deficiency. Identifiers: Orphanet 859, MedGen C0342701, MONDO:0010149, OMIM 275350.

Submission:

Labcorp Genetics (formerly Invitae), Labcorp
Classification: Pathogenic for Transcobalamin II deficiency. Last evaluated: 2023-07-27. Review status: criteria provided, single submitter. Criteria: Invitae Variant Classification Sherloc (09022015). Collection method: clinical testing. Allele origin: germline.
Comment: For these reasons, this variant has been classified as Pathogenic. This variant has not been reported in the literature in individuals affected with TCN2-related conditions. This variant is not present in population databases (gnomAD no frequency). This sequence change creates a premature translational stop signal (p.Asn212Glnfs*92) in the TCN2 gene. It is expected to result in an absent or disrupted protein product. Loss-of-function variants in TCN2 are known to be pathogenic (PMID: 7980584, 20352340).

Literature cited by the submitters: PubMed 7980584; PubMed 20352340.

NM_000355.4(TCN2):c.632dup (p.Asn212fs)

Gene: TCN2 (transcobalamin 2; plus strand). Cytogenetic location: 22q12.2.
Variant type: Duplication.
Coding change: c.632dup on transcript NM_000355.4 (MANE Select); coding-DNA position 632, one base duplicated (T; older notation c.632dupT).
Protein change: p.Asn212fs; shifts the reading frame from asparagine 212.
Molecular consequence: frameshift variant.
Genome position (GRCh38, 1-based): chr22:30,615,352, T duplicated; the last of 2 consecutive T bases (chr22:30,615,351-30,615,352); duplicating either gives the same sequence. VCF-style (leftmost placement, unchanged base first): chr22-30615350-C-CT. GRCh37 (hg19) VCF-style: chr22-31011337-C-CT.
Other names: c.551dup, p.Asn185fs (NM_001184726.2); short protein forms N185fs, N212fs.
Identifiers: ClinVar variation 2745766 (VCV002745766.3), dbSNP rs2517908612, ClinGen allele CA2697552686.